The following is an entry in ClinVar:

ClinVar aggregate classification (germline): Conflicting classifications of pathogenicity. Review status: criteria provided, conflicting classifications (1 of 4 stars). 8 submissions from 8 submitters: Uncertain significance (4); Likely benign (3). 1 of the submissions does not count toward it. Last evaluated 2025-03-01.

Conditions:
Spastic paraplegia. Identifiers: MedGen C0037772, HP:0001258.
AP4E1-related disorder. Also called: AP4E1-related condition.
Hereditary spastic paraplegia. Also called: Familial spastic paraparesis. Identifiers: Orphanet 685, MedGen C0037773, MONDO:0019064. Disease mechanism: loss of function.

Allele frequency attached by ClinVar (database versions not stated): 1000 Genomes Project 30x 0.00078; ESP Exome Variant Server 0.00085; gnomAD exomes 0.00088; TOPMed 0.00090; 1000 Genomes Project 0.00100; ExAC 0.00105; gnomAD 0.00108 and 0.00109.

Submissions (8):

CeGaT Center for Human Genetics Tuebingen
Classification: Likely benign. Last evaluated: 2025-03-01. Review status: criteria provided, single submitter. Criteria: CeGaT Center For Human Genetics Tuebingen Variant Classification Criteria Version 2. Collection method: clinical testing. Allele origin: germline. Affected: yes. Observed: 4 variant alleles.
Comment: AP4E1: BS2

Labcorp Genetics (formerly Invitae), Labcorp
Classification: Uncertain significance for Spastic paraplegia. Last evaluated: 2025-01-02. Review status: criteria provided, single submitter. Criteria: Invitae Variant Classification Sherloc (09022015). Collection method: clinical testing. Allele origin: germline.
Comment: This sequence change replaces isoleucine, which is neutral and non-polar, with leucine, which is neutral and non-polar, at codon 426 of the AP4E1 protein (p.Ile426Leu). This variant is present in population databases (rs148817957, gnomAD 0.2%), and has an allele count higher than expected for a pathogenic variant. This missense change has been observed in individual(s) with AP4E1-related conditions (PMID: 26544806). ClinVar contains an entry for this variant (Variation ID: 432244). An algorithm developed to predict the effect of missense changes on protein structure and function (PolyPhen-2) suggests that this variant is likely to be disruptive. In summary, the available evidence is currently insufficient to determine the role of this variant in disease. Therefore, it has been classified as a Variant of Uncertain Significance.

Mayo Clinic Laboratories, Mayo Clinic
Classification: Likely benign. Last evaluated: 2024-12-27. Review status: criteria provided, single submitter. Criteria: ACMG Guidelines, 2015. Collection method: clinical testing. Allele origin: germline. Observed: 1 variant allele.
Comment: BS1, BP4

Blueprint Genetics
Classification: Uncertain significance. Last evaluated: 2024-11-11. Review status: criteria provided, single submitter. Criteria: ACMG Guidelines, 2015. Collection method: clinical testing. Allele origin: germline.

GeneDx
Classification: Likely benign. Last evaluated: 2021-04-20. Review status: criteria provided, single submitter. Criteria: GeneDx Variant Classification Process June 2021. Collection method: clinical testing. Allele origin: germline. Affected: yes.
Comment: This variant is associated with the following publications: (PMID: 26544806)

Genome Diagnostics Laboratory, The Hospital for Sick Children
Classification: Uncertain significance for Hereditary spastic paraplegia. Last evaluated: 2017-11-01. Review status: criteria provided, single submitter. Criteria: ACMG Guidelines, 2015. Collection method: clinical testing. Allele origin: germline. Affected: yes.

Genetic Services Laboratory, University of Chicago
Classification: Uncertain significance. Last evaluated: 2017-01-12. Review status: criteria provided, single submitter. Criteria: ACMG Guidelines, 2015. Collection method: clinical testing. Allele origin: germline. Affected: no.

PreventionGenetics, part of Exact Sciences
Classification: Likely benign for AP4E1-related condition. Last evaluated: 2020-04-03. Review status: no assertion criteria provided. Collection method: clinical testing. Allele origin: germline. Not counted in ClinVar's aggregate classification.
Comment: This variant is classified as likely benign based on ACMG/AMP sequence variant interpretation guidelines (Richards et al. 2015 PMID: 25741868, with internal and published modifications).

Literature cited by the submitters: PubMed 26544806 (cited by Labcorp Genetics (formerly Invitae), Labcorp).

NM_007347.5(AP4E1):c.1276A>C (p.Ile426Leu)

Gene: AP4E1 (adaptor related protein complex 4 subunit epsilon 1; plus strand). Cytogenetic location: 15q21.2.
Variant type: single nucleotide variant.
Coding change: c.1276A>C on transcript NM_007347.5 (MANE Select); coding-DNA position 1276, A replaced by C.
Protein change: p.Ile426Leu; replaces isoleucine 426 with leucine.
Molecular consequence: missense variant.
Genome position (GRCh38, 1-based): chr15:50,948,119, A>C. VCF-style: chr15-50948119-A-C. GRCh37 (hg19) VCF-style: chr15-51240316-A-C.
Other names: p.Ile426Leu; c.1051A>C, p.Ile351Leu (NM_001252127.2); short protein forms I426L, I351L.
Identifiers: ClinVar variation 432244 (VCV000432244.44), dbSNP rs148817957, ClinGen allele CA7559023.
Genomic context (GRCh38, chr15:50,948,119, plus strand): 5'-ATAACAGTTATTGTCCAGAAAATGCTTGAATATTTACATCAGAGCAAAGAAGAGTATGTC[A>C]TCGTCAATTTGGTCGGCAAAATAGCAGAGCTGGCTGAGAAATATCCTTTTATTTCGACCA-3'
Protein context (NP_031373.2, residues 416-436): YLHQSKEEYV[Ile426Leu]VNLVGKIAEL